The following is an entry in ClinVar:

NM_001458.5(FLNC):c.2975G>A (p.Gly992Glu)

Gene: FLNC (filamin C; plus strand). Cytogenetic location: 7q32.1.
Variant type: single nucleotide variant.
Coding change: c.2975G>A on transcript NM_001458.5 (MANE Select); coding-DNA position 2975, G replaced by A.
Protein change: p.Gly992Glu; replaces glycine 992 with glutamic acid.
Molecular consequence: missense variant.
Genome position (GRCh38, 1-based): chr7:128,844,049, G>A. VCF-style: chr7-128844049-G-A. GRCh37 (hg19) VCF-style: chr7-128484103-G-A.
Other names: c.2975G>A, p.Gly992Glu (NM_001127487.2); short protein forms G992E.
Identifiers: ClinVar variation 1041374 (VCV001041374.9), dbSNP rs1419637272, ClinGen allele CA369193800.

ClinVar aggregate classification (germline): Uncertain significance (1 of 4 stars; one submission).

Conditions:
Myofibrillar myopathy 5. Also called: FILAMINOPATHY, AUTOSOMAL DOMINANT; Filaminopathy (type). Identifiers: Orphanet 171445, MedGen C1836050, MONDO:0012289, OMIM 609524.
Distal myopathy with posterior leg and anterior hand involvement. Also called: WILLIAMS DISTAL MYOPATHY. Identifiers: Orphanet 63273, MedGen C3279722, MONDO:0013550, OMIM 614065.
Hypertrophic cardiomyopathy 26. Also called: Cardiomyopathy, familial hypertrophic, 26. Identifiers: Orphanet 75249, MedGen C4310749, MONDO:0014883, OMIM 617047.

Allele frequency attached by ClinVar (database versions not stated): gnomAD exomes below 0.00001.

Submission:

Labcorp Genetics (formerly Invitae), Labcorp
Classification: Uncertain significance for Distal myopathy with posterior leg and anterior hand involvement; Myofibrillar myopathy 5; Hypertrophic cardiomyopathy 26. Last evaluated: 2025-08-31. Review status: criteria provided, single submitter. Criteria: Invitae Variant Classification Sherloc (09022015). Collection method: clinical testing. Allele origin: germline.
Comment: This sequence change replaces glycine, which is neutral and non-polar, with glutamic acid, which is acidic and polar, at codon 992 of the FLNC protein (p.Gly992Glu). This variant is present in population databases (no rsID available, gnomAD 0.0009%). This variant has not been reported in the literature in individuals affected with FLNC-related conditions. ClinVar contains an entry for this variant (Variation ID: 1041374). Invitae Evidence Modeling of protein sequence and biophysical properties (such as structural, functional, and spatial information, amino acid conservation, physicochemical variation, residue mobility, and thermodynamic stability) has been performed for this missense variant. However, the output from this modeling did not meet the statistical confidence thresholds required to predict the impact of this variant on FLNC protein function. In summary, the available evidence is currently insufficient to determine the role of this variant in disease. Therefore, it has been classified as a Variant of Uncertain Significance.